The following is an entry in ClinVar:

NM_000059.4(BRCA2):c.1587T>C (p.Phe529=)

Gene: BRCA2 (BRCA2 DNA repair associated; plus strand). Cytogenetic location: 13q13.1.
Variant type: single nucleotide variant.
Coding change: c.1587T>C on transcript NM_000059.4 (MANE Select); coding-DNA position 1587, T replaced by C.
Protein change: p.Phe529=; no amino-acid change (phenylalanine 529 retained).
Molecular consequence: synonymous variant.
Genome position (GRCh38, 1-based): chr13:32,333,065, T>C. VCF-style: chr13-32333065-T-C. GRCh37 (hg19) VCF-style: chr13-32907202-T-C.
Identifiers: ClinVar variation 819552 (VCV000819552.5), dbSNP rs1593893297, ClinGen allele CA483436997.

ClinVar aggregate classification (germline): Likely benign. Review status: criteria provided, multiple submitters, no conflicts (2 of 4 stars). 2 submissions from 2 submitters: Likely benign (2). Last evaluated 2023-02-24.

Conditions:
Hereditary cancer-predisposing syndrome. Also called: Hereditary Cancer Syndrome; Neoplastic Syndromes, Hereditary; Hereditary neoplastic syndrome; Tumor predisposition. Identifiers: Orphanet 140162, MedGen C0027672, MeSH D009386, MONDO:0015356.
Breast-ovarian cancer, familial, susceptibility to, 2 (BROVCA2). Also called: BRCA2 Hereditary Breast and Ovarian Cancer. Identifiers: Orphanet 145, MedGen C2675520, MONDO:0012933, OMIM 612555. Disease mechanism: loss of function.

Submissions (2):

All of Us Research Program, National Institutes of Health
Classification: Likely benign for Breast-ovarian cancer, familial, susceptibility to, 2. Last evaluated: 2023-02-24. Review status: criteria provided, single submitter. Criteria: ACMG Guidelines, 2015. Collection method: clinical testing. Allele origin: germline. Inheritance: Autosomal dominant inheritance. Observed: 1 variant allele, 1 heterozygote.
Comment: This study involves interpretation of variants in research participants for the purpose of population health screening. Participant phenotype was not available at the time of variant classification. Additional details can be found in publication PMID: 35346344, PMCID: PMC8962531

Ambry Genetics
Classification: Likely benign for Hereditary cancer-predisposing syndrome. Last evaluated: 2019-11-21. Review status: criteria provided, single submitter. Criteria: Ambry Variant Classification Scheme 2023. Collection method: clinical testing. Allele origin: germline.